The following is an entry in ClinVar:

NM_001203.3(BMPR1B):c.395T>G (p.Val132Gly)

Gene: BMPR1B (bone morphogenetic protein receptor type 1B; plus strand). Cytogenetic location: 4q22.3.
Variant type: single nucleotide variant.
Coding change: c.395T>G on transcript NM_001203.3 (MANE Select); coding-DNA position 395, T replaced by G.
Protein change: p.Val132Gly; replaces valine 132 with glycine.
Molecular consequence: missense variant.
Genome position (GRCh38, 1-based): chr4:95,123,855, T>G. VCF-style: chr4-95123855-T-G. GRCh37 (hg19) VCF-style: chr4-96045006-T-G.
Other names: c.395T>G, p.Val132Gly (NM_001256792.2, NM_001256794.1); c.485T>G, p.Val162Gly (NM_001256793.2); short protein forms V162G, V132G.
Identifiers: ClinVar variation 907600 (VCV000907600.4), dbSNP rs150002205, ClinGen allele CA3014964.

ClinVar aggregate classification (germline): Likely benign (1 of 4 stars; one submission).

Conditions:
Brachydactyly. Also called: Brachydactyly (disease); Brachydactyly syndrome. Identifiers: MedGen C0221357, MONDO:0021004, HP:0001156.

Allele frequency attached by ClinVar (database versions not stated): gnomAD exomes 0.00003 and 0.00004; TOPMed 0.00003; gnomAD 0.00004; ExAC 0.00005; ESP Exome Variant Server 0.00008.
gnomAD v4.1: 70 of 1,612,426 alleles (0.0043%); highest among the groups gnomAD compares: Non-Finnish European, 0.0056%; no homozygotes.

Submission:

Illumina Laboratory Services, Illumina
Classification: Likely benign for Brachydactyly. Last evaluated: 2018-01-13. Review status: criteria provided, single submitter. Criteria: ICSL Variant Classification Criteria 13 December 2019. Collection method: clinical testing. Allele origin: germline.
Comment: This variant was observed in the ICSL laboratory as part of a predisposition screen in an ostensibly healthy population. It had not been previously curated by ICSL or reported in the Human Gene Mutation Database (HGMD: prior to June 1st, 2018), and was therefore a candidate for classification through an automated scoring system. Utilizing variant allele frequency, disease prevalence and penetrance estimates, and inheritance mode, an automated score was calculated to assess if this variant is too frequent to cause the disease. Based on the score and internal cut-off values, a variant classified as likely benign is not then subjected to further curation. The score for this variant resulted in a classification of likely benign for this disease.